The following is an entry in ClinVar:

NM_000030.3(AGXT):c.1098C>T (p.Cys366=)

Gene: AGXT (alanine--glyoxylate aminotransferase; plus strand). Cytogenetic location: 2q37.3.
Variant type: single nucleotide variant.
Coding change: c.1098C>T on transcript NM_000030.3 (MANE Select); coding-DNA position 1098, C replaced by T.
Protein change: p.Cys366=; no amino-acid change (cysteine 366 retained).
Molecular consequence: synonymous variant.
Genome position (GRCh38, 1-based): chr2:240,878,740, C>T. VCF-style: chr2-240878740-C-T. GRCh37 (hg19) VCF-style: chr2-241818157-C-T.
Identifiers: ClinVar variation 2652099 (VCV002652099.24), dbSNP rs781304998, ClinGen allele CA2209418.

ClinVar aggregate classification (germline): Likely benign (1 of 4 stars; one submission).

Submission:

CeGaT Center for Human Genetics Tuebingen
Classification: Likely benign. Last evaluated: 2023-02-01. Review status: criteria provided, single submitter. Criteria: CeGaT Center For Human Genetics Tuebingen Variant Classification Criteria Version 2. Collection method: clinical testing. Allele origin: germline. Affected: yes. Observed: 1 variant allele.
Comment: AGXT: BP4, BP7